The following is an entry in ClinVar:

NM_000282.4(PCCA):c.959C>A (p.Ala320Asp)

Gene: PCCA (propionyl-CoA carboxylase subunit alpha; plus strand). Cytogenetic location: 13q32.3.
Variant type: single nucleotide variant.
Coding change: c.959C>A on transcript NM_000282.4 (MANE Select); coding-DNA position 959, C replaced by A.
Protein change: p.Ala320Asp; replaces alanine 320 with aspartic acid.
Molecular consequence: missense variant. On other transcripts: non-coding transcript variant (5).
Genome position (GRCh38, 1-based): chr13:100,273,240, C>A. VCF-style: chr13-100273240-C-A. GRCh37 (hg19) VCF-style: chr13-100925494-C-A.
Other names: A294D; A5D; c.881C>A, p.Ala294Asp (NM_001127692.3, NM_001352607.2, NM_001352608.2); c.959C>A, p.Ala320Asp (NM_001178004.2, NM_001352605.2, NM_001352606.2 and 1 more transcripts); c.14C>A, p.Ala5Asp (NM_001352610.2, NM_001352611.2, NM_001352612.2); short protein forms A320D.
Identifiers: ClinVar variation 1803092 (VCV001803092.2), dbSNP rs1245721727, ClinGen allele CA388694762.
Genomic context (GRCh38, chr13:100,273,240, plus strand): 5'-TTTTTTGTATATGTAGCATTTTTTTGGATGCGGAGACTCGAAGAGCGATGGGAGAACAAG[C>A]TGTAGCTCTTGCCAGAGCAGTAAAATATTCCTCTGCTGGGACCGTGGAGTTCCTTGTGGA-3'
Protein context (NP_000273.2, residues 310-330): AETRRAMGEQ[Ala320Asp]VALARAVKYS

ClinVar aggregate classification (germline): Pathogenic (0 of 4 stars; one submission).

Conditions:
Propionic acidemia (PROP). Also called: GLYCINEMIA, KETOTIC; HYPERGLYCINEMIA WITH KETOACIDOSIS AND LEUKOPENIA; KETOTIC HYPERGLYCINEMIA. Identifiers: Orphanet 35, MedGen C0268579, MONDO:0011628, OMIM 606054, HP:0003571.

Submission:

Pediatric/Medical Genetics, Ministry of Health, Qatif Central Hospital
Classification: Pathogenic for Propionic acidemia. Last evaluated: 2022-12-12. Review status: no assertion criteria provided. Collection method: clinical testing. Allele origin: germline. Inheritance: Autosomal recessive inheritance. Affected: yes. Observed: 1 homozygote.
Comment: Had recurrent attacks of resistant hyperammonemia, tubulopathy and chronic anemia.